The following is an entry in ClinVar:

ClinVar aggregate classification (germline): Likely benign. Review status: criteria provided, multiple submitters, no conflicts (2 of 4 stars). 4 submissions from 4 submitters: Likely benign (3). 1 of the submissions does not count toward it. Last evaluated 2026-05-11.

Conditions:
NF1-related disorder. Also called: NF1-related condition. Identifiers: MedGen CN379171.
Neurofibromatosis, familial spinal (FSNF). Identifiers: Orphanet 636, MedGen C1834235, MONDO:0008078, OMIM 162210. Disease mechanism: loss of function.
Juvenile myelomonocytic leukemia (JMML). Also called: LEUKEMIA, JUVENILE MYELOMONOCYTIC, SOMATIC. Identifiers: Orphanet 86834, MedGen C0349639, MONDO:0011908, OMIM 607785, HP:0012209.
Café-au-lait macules with pulmonary stenosis (WTSN). Also called: PULMONIC STENOSIS WITH CAFE-AU-LAIT SPOTS. Identifiers: MedGen C0553586, MONDO:0008672, OMIM 193520.
Neurofibromatosis, type 1 (NF1). Also called: VON RECKLINGHAUSEN DISEASE; NEUROFIBROMATOSIS, TYPE I, SOMATIC; Neurofibromatosis, type I; Peripheral type neurofibromatosis. Identifiers: Orphanet 636, MedGen C0027831, MONDO:0018975, OMIM 162200. Disease mechanism: loss of function.
Neurofibromatosis-Noonan syndrome (NFNS). Also called: NEUROFIBROMATOSIS WITH NOONAN PHENOTYPE. Identifiers: Orphanet 638, MedGen C2931482, MONDO:0011035, OMIM 601321. Disease mechanism: loss of function.

Allele frequency attached by ClinVar (database versions not stated): gnomAD 0.00001; TOPMed 0.00002; gnomAD exomes 0.00001.
gnomAD v4.1: 44 of 1,613,712 alleles (0.0027%); highest among the groups gnomAD compares: Non-Finnish European, 0.0036%; no homozygotes.

Submissions (4):

Myriad Genetics, Inc.
Classification: Likely benign for Neurofibromatosis, type 1. Last evaluated: 2026-05-11. Review status: criteria provided, single submitter. Criteria: Myriad Autosomal Dominant, Autosomal Recessive and X-Linked Classification Criteria (2023). Collection method: clinical testing. Allele origin: unknown.
Comment: This variant is considered likely benign. This variant is intronic and is not expected to impact mRNA splicing.

Labcorp Genetics (formerly Invitae), Labcorp
Classification: Likely benign for Neurofibromatosis, type 1. Last evaluated: 2026-02-03. Review status: criteria provided, single submitter. Criteria: Invitae Variant Classification Sherloc (09022015). Collection method: clinical testing. Allele origin: germline.

Fulgent Genetics
Classification: Likely benign for Neurofibromatosis, type 1; Neurofibromatosis, familial spinal; Café-au-lait macules with pulmonary stenosis; Neurofibromatosis-Noonan syndrome; Juvenile myelomonocytic leukemia. Last evaluated: 2022-02-22. Review status: criteria provided, single submitter. Criteria: ACMG Guidelines, 2015. Collection method: clinical testing. Allele origin: unknown.

PreventionGenetics, part of Exact Sciences
Classification: Likely benign for NF1-related condition. Last evaluated: 2019-10-07. Review status: no assertion criteria provided. Collection method: clinical testing. Allele origin: germline. Not counted in ClinVar's aggregate classification.
Comment: This variant is classified as likely benign based on ACMG/AMP sequence variant interpretation guidelines (Richards et al. 2015 PMID: 25741868, with internal and published modifications).

NM_001042492.3(NF1):c.1062+7T>C

Gene: NF1 (neurofibromin 1; plus strand). Cytogenetic location: 17q11.2.
Variant type: single nucleotide variant.
Coding change: c.1062+7T>C on transcript NM_001042492.3 (MANE Select); 7 bases into the intron after coding-DNA position 1062, T replaced by C.
Molecular consequence: intron variant.
Genome position (GRCh38, 1-based): chr17:31,200,602, T>C. VCF-style: chr17-31200602-T-C. GRCh37 (hg19) VCF-style: chr17-29527620-T-C.
Other names: c.1062+7T>C (NM_001042492.2, NM_000267.4, NM_001128147.3).
Identifiers: ClinVar variation 413010 (VCV000413010.14), dbSNP rs979521240, ClinGen allele CA16615430.
Genomic context (GRCh38, chr17:31,200,602, plus strand): 5'-GAAGATAACTCTGTCATTTTCCTACTTGTTCAGTCCATGGTGGTTGATCTTAAGGTAACA[T>C]GCTTATTCTTTCTCTACTACAAACTTTAAGAAAATTAAATGAATTTTCTAGCATAAGTAT-3'